The following is an entry in ClinVar:

ClinVar aggregate classification (germline): Uncertain significance (1 of 4 stars; one submission).

Conditions:
Hereditary spastic paraplegia 4. Also called: Spastic paraplegia 4, autosomal dominant; Spastic Paraplegia 4; Familial spastic paraplegia autosomal dominant 2. Identifiers: Orphanet 100985, MedGen C1866855, MONDO:0008438, OMIM 182601.

Allele frequency attached by ClinVar (database versions not stated): gnomAD exomes below 0.00001; gnomAD 0.00001.
gnomAD v4.1: 6 of 1,613,928 alleles (0.00037%); highest among the groups gnomAD compares: Admixed American, 0.0017%; no homozygotes.

Submission:

Labcorp Genetics (formerly Invitae), Labcorp
Classification: Uncertain significance for Hereditary spastic paraplegia 4. Last evaluated: 2025-04-19. Review status: criteria provided, single submitter. Criteria: Invitae Variant Classification Sherloc (09022015). Collection method: clinical testing. Allele origin: germline.
Comment: This sequence change replaces alanine, which is neutral and non-polar, with threonine, which is neutral and polar, at codon 266 of the SPAST protein (p.Ala266Thr). This variant is not present in population databases (gnomAD no frequency). This variant has not been reported in the literature in individuals affected with SPAST-related conditions. ClinVar contains an entry for this variant (Variation ID: 2428014). Invitae Evidence Modeling of protein sequence and biophysical properties (such as structural, functional, and spatial information, amino acid conservation, physicochemical variation, residue mobility, and thermodynamic stability) indicates that this missense variant is not expected to disrupt SPAST protein function with a negative predictive value of 95%. In summary, the available evidence is currently insufficient to determine the role of this variant in disease. Therefore, it has been classified as a Variant of Uncertain Significance.

NM_014946.4(SPAST):c.796G>A (p.Ala266Thr)

Gene: SPAST (spastin; plus strand). Cytogenetic location: 2p22.3.
Variant type: single nucleotide variant.
Coding change: c.796G>A on transcript NM_014946.4 (MANE Select); coding-DNA position 796, G replaced by A.
Protein change: p.Ala266Thr; replaces alanine 266 with threonine.
Molecular consequence: missense variant.
Genome position (GRCh38, 1-based): chr2:32,114,751, G>A. VCF-style: chr2-32114751-G-A. GRCh37 (hg19) VCF-style: chr2-32339820-G-A.
Other names: c.697G>A, p.Ala233Thr (NM_001363875.2); c.700G>A, p.Ala234Thr (NM_001377959.1, NM_199436.2); c.793G>A, p.Ala265Thr (NM_001363823.2); short protein forms A233T, A234T, A265T, A266T.
Identifiers: ClinVar variation 2428014 (VCV002428014.5), dbSNP rs1678760059, ClinGen allele CA346498643.
Genomic context (GRCh38, chr2:32,114,751, plus strand): 5'-CTGCCTCGTTCAAAAACAGTTATGAAAACTGGATCTGCAGGCCTTTCAGGCCACCATAGA[G>A]CACCTAGTTACAGTGGTTTATCCATGGTTTCTGGAGTGAAACAGGGATCTGGTCCTGCTC-3'
Protein context (NP_055761.2, residues 256-276): GSAGLSGHHR[Ala266Thr]PSYSGLSMVS